The following is an entry in ClinVar:

ClinVar aggregate classification (germline): Conflicting classifications of pathogenicity. Review status: criteria provided, conflicting classifications (1 of 4 stars). 4 submissions from 4 submitters: Uncertain significance (1); Likely benign (2). 1 of the submissions does not count toward it. Last evaluated 2026-01-21.

Conditions:
GPR179-related disorder. Also called: GPR179-related condition.
Congenital stationary night blindness 1E. Also called: Night blindness, congenital stationary (complete), 1E, autosomal recessive. Identifiers: Orphanet 215, MedGen C3281215, MONDO:0013807, OMIM 614565.

Allele frequency attached by ClinVar (database versions not stated): gnomAD exomes 0.00006 and 0.00016; gnomAD 0.00061 and 0.00067; 1000 Genomes Project 30x 0.00062; ExAC 0.00019; 1000 Genomes Project 0.00060; TOPMed 0.00085; ESP Exome Variant Server 0.00090.

Submissions (4):

Labcorp Genetics (formerly Invitae), Labcorp
Classification: Likely benign. Last evaluated: 2026-01-21. Review status: criteria provided, single submitter. Criteria: Invitae Variant Classification Sherloc (09022015). Collection method: clinical testing. Allele origin: germline.

Blueprint Genetics
Classification: Likely benign. Last evaluated: 2024-10-28. Review status: criteria provided, single submitter. Criteria: ACMG Guidelines, 2015. Collection method: clinical testing. Allele origin: germline.

Illumina Laboratory Services, Illumina
Classification: Uncertain significance for Congenital stationary night blindness 1E. Last evaluated: 2018-01-13. Review status: criteria provided, single submitter. Criteria: ICSL Variant Classification Criteria 13 December 2019. Collection method: clinical testing. Allele origin: germline.

PreventionGenetics, part of Exact Sciences
Classification: Likely benign for GPR179-related condition. Last evaluated: 2019-11-19. Review status: no assertion criteria provided. Collection method: clinical testing. Allele origin: germline. Not counted in ClinVar's aggregate classification.
Comment: This variant is classified as likely benign based on ACMG/AMP sequence variant interpretation guidelines (Richards et al. 2015 PMID: 25741868, with internal and published modifications).

NM_001004334.4(GPR179):c.991+4T>C

Gene: GPR179 (G protein-coupled receptor 179; minus strand). Cytogenetic location: 17q12.
Variant type: single nucleotide variant.
Coding change: c.991+4T>C on transcript NM_001004334.4 (MANE Select); 4 bases into the intron after coding-DNA position 991, T replaced by C.
Molecular consequence: intron variant.
Genome position (GRCh38, 1-based): chr17:38,337,629, A>G on the plus strand (T>C on the coding strand, the complement: GPR179 is on the minus strand). VCF-style: chr17-38337629-A-G. GRCh37 (hg19) VCF-style: chr17-36493512-A-G.
Other names: c.991+4T>C (NM_001004334.3).
Identifiers: ClinVar variation 323025 (VCV000323025.15), dbSNP rs375898051, ClinGen allele CA10639555.